The following is an entry in ClinVar:

ClinVar aggregate classification (germline): Likely pathogenic (1 of 4 stars; one submission).

Submission:

Labcorp Genetics (formerly Invitae), Labcorp
Classification: Likely pathogenic. Last evaluated: 2022-08-20. Review status: criteria provided, single submitter. Criteria: Invitae Variant Classification Sherloc (09022015). Collection method: clinical testing. Allele origin: germline.
Comment: In summary, the currently available evidence indicates that the variant is pathogenic, but additional data are needed to prove that conclusively. Therefore, this variant has been classified as Likely Pathogenic. Algorithms developed to predict the effect of missense changes on protein structure and function (SIFT, PolyPhen-2, Align-GVGD) all suggest that this variant is likely to be disruptive. ClinVar contains an entry for this variant (Variation ID: 1388214). This missense change has been observed in individual(s) with intellectual disabilities syndrome (Invitae). In at least one individual the variant was observed to be de novo. This variant is not present in population databases (gnomAD no frequency). This sequence change replaces leucine, which is neutral and non-polar, with proline, which is neutral and non-polar, at codon 553 of the KAT6A protein (p.Leu553Pro).

NM_006766.5(KAT6A):c.1658T>C (p.Leu553Pro)

Gene: KAT6A (lysine acetyltransferase 6A; minus strand). Cytogenetic location: 8p11.21.
Variant type: single nucleotide variant.
Coding change: c.1658T>C on transcript NM_006766.5 (MANE Select); coding-DNA position 1658, T replaced by C.
Protein change: p.Leu553Pro; replaces leucine 553 with proline.
Molecular consequence: missense variant.
Genome position (GRCh38, 1-based): chr8:41,949,304, A>G on the plus strand (T>C on the coding strand, the complement: KAT6A is on the minus strand). VCF-style: chr8-41949304-A-G. GRCh37 (hg19) VCF-style: chr8-41806822-A-G.
Other names: c.1658T>C, p.Leu553Pro (NM_001305878.2); short protein forms L553P.
Identifiers: ClinVar variation 1388214 (VCV001388214.6), dbSNP rs2150867576, ClinGen allele CA371074328.
Genomic context (GRCh38, chr8:41,949,304, plus strand): 5'-TTTCTGTAAATCTCATTGGCAGGAGGATGGAACCAACCACATTTCTTCATGTGCTGCTGC[A>G]GAATAGTTCTACTTTTCATATATTTTAGACAAAATTCACAAAGATACAATTTGGGCAGCC-3'
Protein context (NP_006757.2, residues 543-563): CLKYMKSRTI[Leu553Pro]QQHMKKCGWF